The following is an entry in ClinVar:

ClinVar aggregate classification (germline): Uncertain significance (1 of 4 stars; one submission).

Submission:

Labcorp Genetics (formerly Invitae), Labcorp
Classification: Uncertain significance. Last evaluated: 2023-11-06. Review status: criteria provided, single submitter. Criteria: Invitae Variant Classification Sherloc (09022015). Collection method: clinical testing. Allele origin: germline.
Comment: This sequence change replaces arginine, which is basic and polar, with glycine, which is neutral and non-polar, at codon 228 of the RUNX2 protein (p.Arg228Gly). This variant is not present in population databases (gnomAD no frequency). This missense change has been observed in individual(s) with autosomal dominant cleidocranial dysplasia (PMID: 20648631). Advanced modeling of protein sequence and biophysical properties (such as structural, functional, and spatial information, amino acid conservation, physicochemical variation, residue mobility, and thermodynamic stability) performed at Invitae indicates that this missense variant is expected to disrupt RUNX2 protein function with a positive predictive value of 80%. In summary, the available evidence is currently insufficient to determine the role of this variant in disease. Therefore, it has been classified as a Variant of Uncertain Significance.

Literature cited by the submitters: PubMed 20648631.

NM_001024630.4(RUNX2):c.682A>G (p.Arg228Gly)

Gene: RUNX2 (RUNX family transcription factor 2; plus strand). Cytogenetic location: 6p21.1.
Variant type: single nucleotide variant.
Coding change: c.682A>G on transcript NM_001024630.4 (MANE Select); coding-DNA position 682, A replaced by G.
Protein change: p.Arg228Gly; replaces arginine 228 with glycine.
Molecular consequence: missense variant.
Genome position (GRCh38, 1-based): chr6:45,438,048, A>G. VCF-style: chr6-45438048-A-G. GRCh37 (hg19) VCF-style: chr6-45405785-A-G.
Other names: c.682A>G, p.Arg228Gly (NM_001015051.4); c.640A>G, p.Arg214Gly (NM_001278478.2, NM_001369405.1, NM_004348.3); short protein forms R214G, R228G.
Identifiers: ClinVar variation 2734882 (VCV002734882.3), dbSNP rs2548593604, ClinGen allele CA363955485.